The following is an entry in ClinVar:

ClinVar aggregate classification (germline): Likely benign (0 of 4 stars; one submission).

Conditions:
ANGPTL4-related disorder. Also called: ANGPTL4-related condition.

Allele frequency attached by ClinVar (database versions not stated): gnomAD 0.00003; gnomAD exomes 0.00012; ExAC 0.00024.

Submission:

PreventionGenetics, part of Exact Sciences
Classification: Likely benign for ANGPTL4-related condition. Last evaluated: 2019-04-09. Review status: no assertion criteria provided. Collection method: clinical testing. Allele origin: germline.
Comment: This variant is classified as likely benign based on ACMG/AMP sequence variant interpretation guidelines (Richards et al. 2015 PMID: 25741868, with internal and published modifications).

NM_139314.3(ANGPTL4):c.758-4C>G

Gene: ANGPTL4 (angiopoietin like 4; plus strand). Cytogenetic location: 19p13.2.
Variant type: single nucleotide variant.
Coding change: c.758-4C>G on transcript NM_139314.3 (MANE Select); 4 bases into the intron before coding-DNA position 758, C replaced by G.
Molecular consequence: intron variant.
Genome position (GRCh38, 1-based): chr19:8,371,237, C>G. VCF-style: chr19-8371237-C-G. GRCh37 (hg19) VCF-style: chr19-8436121-C-G.
Other names: c.644-4C>G (NM_001039667.3).
Identifiers: ClinVar variation 3047940 (VCV003047940.2), dbSNP rs752209196, ClinGen allele CA9156087.